The following is an entry in ClinVar:

ClinVar aggregate classification (germline): Uncertain significance (1 of 4 stars; one submission).

Conditions:
Myofibrillar myopathy 4. Also called: Zaspopathy (type). Identifiers: Orphanet 98912, MedGen C4721886, MONDO:0012277, OMIM 609452.

gnomAD v4.1: 2 of 1,613,028 alleles (0.00012%); highest among the groups gnomAD compares: Non-Finnish European, 0.00017%; no homozygotes.

Submission:

Labcorp Genetics (formerly Invitae), Labcorp
Classification: Uncertain significance for Myofibrillar myopathy 4. Last evaluated: 2024-11-03. Review status: criteria provided, single submitter. Criteria: Invitae Variant Classification Sherloc (09022015). Collection method: clinical testing. Allele origin: germline.
Comment: The LDB3 gene has multiple clinically relevant transcripts. This variant occurs in alternate transcript NM_007078.3, and corresponds to NM_001080116.1:c.*17158G>T in the primary transcript. This sequence change affects codon 479 of the LDB3 mRNA. It is a 'silent' change, meaning that it does not change the encoded amino acid sequence of the LDB3 protein. This variant is not present in population databases (gnomAD no frequency). This variant has not been reported in the literature in individuals affected with LDB3-related conditions. Experimental studies and prediction algorithms are not available or were not evaluated, and the effect of this variant on mRNA splicing is currently unknown. In summary, the available evidence is currently insufficient to determine the role of this variant in disease. Therefore, it has been classified as a Variant of Uncertain Significance.

NM_007078.3(LDB3):c.1437G>T (p.Gly479=)

Gene: LDB3 (LIM domain binding 3; plus strand). Cytogenetic location: 10q23.2.
Variant type: single nucleotide variant.
Coding change: c.1437G>T on transcript NM_007078.3 (MANE Select); coding-DNA position 1437, G replaced by T.
Protein change: p.Gly479=; no amino-acid change (glycine 479 retained).
Molecular consequence: synonymous variant.
Genome position (GRCh38, 1-based): chr10:86,716,532, G>T. VCF-style: chr10-86716532-G-T. GRCh37 (hg19) VCF-style: chr10-88476289-G-T.
Other names: c.1107G>T, p.Gly369= (NM_001080114.2); c.1452G>T, p.Gly484= (NM_001171610.2); c.1248G>T, p.Gly416= (NM_001368064.1, NM_001368065.1); c.1296G>T, p.Gly432= (NM_001368066.1).
Identifiers: ClinVar variation 3678706 (VCV003678706.2).
Genomic context (GRCh38, chr10:86,716,532, plus strand): 5'-AGCCTATACCCCCTCACCTGCCCCCAACTATAACCCTGCACCCTCGGTGGCCTACAGCGG[G>T]GGCCCTGCGGAGCCTGCCAGCCGTCCACCCTGGGTGACAGATGATAGCTTCTCCCAGAAG-3'
Protein context (NP_009009.1, residues 469-489): YNPAPSVAYS[Gly479=]GPAEPASRPP